The following is an entry in ClinVar:

NM_004415.4(DSP):c.6622A>T (p.Met2208Leu)

Gene: DSP (desmoplakin; plus strand). Cytogenetic location: 6p24.3.
Variant type: single nucleotide variant.
Coding change: c.6622A>T on transcript NM_004415.4 (MANE Select); coding-DNA position 6622, A replaced by T.
Protein change: p.Met2208Leu; replaces methionine 2208 with leucine.
Molecular consequence: missense variant.
Genome position (GRCh38, 1-based): chr6:7,583,884, A>T. VCF-style: chr6-7583884-A-T. GRCh37 (hg19) VCF-style: chr6-7584117-A-T.
Other names: c.4825A>T, p.Met1609Leu (NM_001008844.3); c.5293A>T, p.Met1765Leu (NM_001319034.2); short protein forms M1609L, M1765L, M2208L.
Identifiers: ClinVar variation 2775349 (VCV002775349.2), dbSNP rs2533942245, ClinGen allele CA362691185.

ClinVar aggregate classification (germline): Uncertain significance (1 of 4 stars; one submission).

Conditions:
Cardiomyopathy (CMYO). Also called: Cardiomyopathies. Identifiers: Orphanet 167848, MedGen C0878544, MONDO:0004994, HP:0001638. Inheritance: Various modes of inheritance.

Submission:

Color Diagnostics, LLC DBA Color Health
Classification: Uncertain significance for Cardiomyopathy. Last evaluated: 2023-10-30. Review status: criteria provided, single submitter. Criteria: ACMG Guidelines, 2015. Collection method: clinical testing. Allele origin: germline.
Comment: This missense variant replaces methionine with leucine at codon 2208 of the DSP protein. Computational prediction suggests that this variant may not impact protein structure and function (internally defined REVEL score threshold <= 0.5, PMID: 27666373). To our knowledge, functional studies have not been reported for this variant. This variant has not been reported in individuals affected with DSP-related disorders in the literature. This variant has not been identified in the general population by the Genome Aggregation Database (gnomAD). The available evidence is insufficient to determine the role of this variant in disease conclusively. Therefore, this variant is classified as a Variant of Uncertain Significance.